The following is an entry in ClinVar:

NM_000142.5(FGFR3):c.445+3A>G

Gene: FGFR3 (fibroblast growth factor receptor 3; plus strand). Cytogenetic location: 4p16.3.
Variant type: single nucleotide variant.
Coding change: c.445+3A>G on transcript NM_000142.5 (MANE Select); 3 bases into the intron after coding-DNA position 445, A replaced by G.
Molecular consequence: intron variant.
Genome position (GRCh38, 1-based): chr4:1,799,815, A>G. VCF-style: chr4-1799815-A-G. GRCh37 (hg19) VCF-style: chr4-1801542-A-G.
Other names: p.?; c.445+3A>G (NM_001163213.2, NM_001354809.2, NM_001354810.2 and 1 more transcripts).
Identifiers: ClinVar variation 255341 (VCV000255341.23), dbSNP rs3135868, ClinGen allele CA2809821.

ClinVar aggregate classification (germline): Benign. Review status: criteria provided, multiple submitters, no conflicts (2 of 4 stars). 12 submissions from 12 submitters: Benign (8). 4 of the submissions do not count toward it. Last evaluated 2026-06-23.

Conditions:
FGFR3-related chondrodysplasia. Identifiers: Orphanet 93420, MedGen C5681604, MONDO:0019685.

Allele frequency attached by ClinVar (database versions not stated): gnomAD exomes 0.01473 and 0.03097; ExAC 0.03747; gnomAD 0.09375 and 0.09950; ESP Exome Variant Server 0.10311; 1000 Genomes Project 0.10483; TOPMed 0.10489; 1000 Genomes Project 30x 0.10696.

Submissions (12):

Genomenon, Inc
Classification: Benign for FGFR3-related chondrodysplasia. Last evaluated: 2026-06-23. Review status: criteria provided, single submitter. Criteria: Genomenon Sequence Variant Interpretation Standards - Updated. Collection method: curation. Allele origin: germline. Affected: no.
Comment: FGFR3 c.445+3A>G is an intronic variant located in the donor splice region of intron 4. In silico models predict that this variant is not damaging. This variant is present at high allele frequency in population databases. We classify FGFR3 c.445+3A>G as a benign variant.

Women's Health and Genetics/Laboratory Corporation of America, LabCorp
Classification: Benign. Last evaluated: 2026-05-09. Review status: criteria provided, single submitter. Criteria: LabCorp Variant Classification Summary - May 2015. Collection method: clinical testing. Allele origin: germline.

Labcorp Genetics (formerly Invitae), Labcorp
Classification: Benign. Last evaluated: 2026-02-02. Review status: criteria provided, single submitter. Criteria: Invitae Variant Classification Sherloc (09022015). Collection method: clinical testing. Allele origin: germline.

Blueprint Genetics
Classification: Benign. Last evaluated: 2024-11-26. Review status: criteria provided, single submitter. Criteria: ACMG Guidelines, 2015. Collection method: clinical testing. Allele origin: germline.

Mayo Clinic Laboratories, Mayo Clinic
Classification: Benign. Last evaluated: 2024-04-11. Review status: criteria provided, single submitter. Criteria: ACMG Guidelines, 2015. Collection method: clinical testing. Allele origin: germline. Observed: 31 variant alleles.

GeneDx
Classification: Benign. Last evaluated: 2016-05-27. Review status: criteria provided, single submitter. Criteria: GeneDx Variant Classification (06012015). Collection method: clinical testing. Allele origin: germline. Affected: yes.
Comment: This variant is considered likely benign or benign based on one or more of the following criteria: it is a conservative change, it occurs at a poorly conserved position in the protein, it is predicted to be benign by multiple in silico algorithms, and/or has population frequency not consistent with disease.

Breakthrough Genomics
Classification: Benign. Review status: criteria provided, single submitter. Criteria: ACMG Guidelines, 2015. Collection method: not provided. Allele origin: germline. Inheritance: Autosomal dominant inheritance. Affected: yes.

PreventionGenetics, part of Exact Sciences
Classification: Benign. Review status: criteria provided, single submitter. Criteria: ACMG Guidelines, 2015. Collection method: clinical testing. Allele origin: germline.

Clinical Genetics DNA and cytogenetics Diagnostics Lab, Erasmus MC, Erasmus Medical Center
Classification: Benign. Review status: no assertion criteria provided. Collection method: clinical testing. Allele origin: germline. Affected: yes. Study: VKGL Data-share Consensus. Not counted in ClinVar's aggregate classification.

Clinical Genetics, Academic Medical Center
Classification: Benign. Review status: no assertion criteria provided. Collection method: clinical testing. Allele origin: germline. Affected: yes. Study: VKGL Data-share Consensus. Not counted in ClinVar's aggregate classification.

Joint Genome Diagnostic Labs from Nijmegen and Maastricht, Radboudumc and MUMC+
Classification: Likely benign. Review status: no assertion criteria provided. Collection method: clinical testing. Allele origin: germline. Affected: yes. Study: VKGL Data-share Consensus. Not counted in ClinVar's aggregate classification.

Laboratory of Diagnostic Genome Analysis, Leiden University Medical Center (LUMC)
Classification: Likely benign. Review status: no assertion criteria provided. Collection method: clinical testing. Allele origin: germline. Affected: yes. Study: VKGL Data-share Consensus. Not counted in ClinVar's aggregate classification.